The following is an entry in ClinVar:

ClinVar aggregate classification (germline): Uncertain significance (1 of 4 stars; one submission).

Conditions:
Cardiovascular phenotype. Identifiers: MedGen CN230736.

gnomAD v4.1: 6 of 1,614,172 alleles (0.00037%); highest among the groups gnomAD compares: Non-Finnish European, 0.00051%; no homozygotes.

Submission:

Ambry Genetics
Classification: Uncertain significance for Cardiovascular phenotype. Last evaluated: 2026-08-10. Review status: criteria provided, single submitter. Criteria: Ambry Variant Classification Scheme 2023. Collection method: clinical testing. Allele origin: germline.
Comment: The p.E997Q variant (also known as c.2989G>C), located in coding exon 21 of the MYH6 gene, results from a G to C substitution at nucleotide position 2989. The glutamic acid at codon 997 is replaced by glutamine, an amino acid with highly similar properties. This amino acid position is conserved. In addition, the in silico prediction for this alteration is inconclusive. Based on the available evidence, the clinical significance of this variant remains unclear.

NM_002471.4(MYH6):c.2989G>C (p.Glu997Gln)

Gene: MYH6 (myosin heavy chain 6; minus strand). Cytogenetic location: 14q11.2.
Variant type: single nucleotide variant.
Coding change: c.2989G>C on transcript NM_002471.4 (MANE Select); coding-DNA position 2989, G replaced by C.
Protein change: p.Glu997Gln; replaces glutamic acid 997 with glutamine.
Molecular consequence: missense variant.
Genome position (GRCh38, 1-based): chr14:23,393,458, C>G on the plus strand (G>C on the coding strand, the complement: MYH6 is on the minus strand). VCF-style: chr14-23393458-C-G. GRCh37 (hg19) VCF-style: chr14-23862667-C-G.
Other names: short protein forms E997Q.
Identifiers: ClinVar variation 5025114 (VCV005025114.1).